The following is an entry in ClinVar:

ClinVar aggregate classification (germline): Conflicting classifications of pathogenicity. Review status: criteria provided, conflicting classifications (1 of 4 stars). 4 submissions from 4 submitters: Uncertain significance (2); Benign (1); Likely benign (1). Last evaluated 2025-10-23.

Conditions:
Inborn genetic diseases. Identifiers: MedGen C0950123, MeSH D030342.
Developmental and epileptic encephalopathy, 31A. Also called: Developmental and epileptic encephalopathy, 31; Epileptic encephalopathy, early infantile, 31. Identifiers: Orphanet 2382, MedGen C4225357, MONDO:0014598, OMIM 616346.

Allele frequency attached by ClinVar (database versions not stated): ExAC 0.00001; gnomAD 0.00001; gnomAD exomes 0.00001; TOPMed 0.00001; 1000 Genomes Project 0.00020; 1000 Genomes Project 30x 0.00031.
gnomAD v4.1: 9 of 1,572,514 alleles (0.00057%); highest among the groups gnomAD compares: Middle Eastern, 0.017%; no homozygotes.

Submissions (4):

Labcorp Genetics (formerly Invitae), Labcorp
Classification: Benign for Developmental and epileptic encephalopathy, 31A. Last evaluated: 2025-10-23. Review status: criteria provided, single submitter. Criteria: Invitae Variant Classification Sherloc (09022015). Collection method: clinical testing. Allele origin: germline.

New York Genome Center
Classification: Uncertain significance for Developmental and epileptic encephalopathy, 31A. Last evaluated: 2021-02-26. Review status: criteria provided, single submitter. Criteria: NYGC Assertion Criteria 2020. Collection method: clinical testing. Allele origin: inherited. Observed: 1 heterozygote. Study: CSER-NYCKidSeq.

Ambry Genetics
Classification: Uncertain significance for Inborn genetic diseases. Last evaluated: 2018-09-29. Review status: criteria provided, single submitter. Criteria: Ambry Variant Classification Scheme 2023. Collection method: clinical testing. Allele origin: germline.
Comment: The c.1558-3C>T intronic variant results from a C to T substitution 3 nucleotides upstream from coding exon 15 in the DNM1 gene. This nucleotide position is well conserved in available vertebrate species. Using the BDGP and ESEfinder splice site prediction tools, this alteration is not predicted to have any significant effect on this splice acceptor site; however, direct evidence is unavailable. Since supporting evidence is limited at this time, the clinical significance of this alteration remains unclear.

GeneDx
Classification: Likely benign. Last evaluated: 2016-04-13. Review status: criteria provided, single submitter. Criteria: GeneDx Variant Classification (06012015). Collection method: clinical testing. Allele origin: germline. Affected: yes.
Comment: This variant is considered likely benign or benign based on one or more of the following criteria: it is a conservative change, it occurs at a poorly conserved position in the protein, it is predicted to be benign by multiple in silico algorithms, and/or has population frequency not consistent with disease.

NM_004408.4(DNM1):c.1558-3C>T

Gene: DNM1 (dynamin 1; plus strand). Cytogenetic location: 9q34.11.
Variant type: single nucleotide variant.
Coding change: c.1558-3C>T on transcript NM_004408.4 (MANE Select); 3 bases into the intron before coding-DNA position 1558, C replaced by T.
Molecular consequence: intron variant.
Genome position (GRCh38, 1-based): chr9:128,242,229, C>T. VCF-style: chr9-128242229-C-T. GRCh37 (hg19) VCF-style: chr9-131004508-C-T.
Other names: c.1558-3C>T (NM_001005336.3, NM_001288738.2, NM_001288737.2 and 1 more transcripts).
Identifiers: ClinVar variation 385482 (VCV000385482.16), dbSNP rs546517702, ClinGen allele CA5258242.
Genomic context (GRCh38, chr9:128,242,229, plus strand): 5'-ACCCCATCCCCCATGGGGAGGCTCAGGCCCTGTCCACTGACCTCCTGCCCCATCACCCTC[C>T]AGGTCATCCGCAAGGGCTGGCTGACTATCAATAATATTGGCATCATGAAAGGGGGCTCCA-3'